The following is an entry in ClinVar:

ClinVar aggregate classification (germline): Uncertain significance (1 of 4 stars; one submission).

Allele frequency attached by ClinVar (database versions not stated): TOPMed below 0.00001; gnomAD 0.00001 and 0.00002.
gnomAD v4.1: 3 of 1,613,804 alleles (0.00019%); highest among the groups gnomAD compares: African/African-American, 0.004%; no homozygotes.

Submission:

Labcorp Genetics (formerly Invitae), Labcorp
Classification: Uncertain significance. Last evaluated: 2023-12-11. Review status: criteria provided, single submitter. Criteria: Invitae Variant Classification Sherloc (09022015). Collection method: clinical testing. Allele origin: germline.
Comment: This sequence change replaces alanine, which is neutral and non-polar, with aspartic acid, which is acidic and polar, at codon 173 of the RHO protein (p.Ala173Asp). This variant is present in population databases (no rsID available, gnomAD 0.01%). This variant has not been reported in the literature in individuals affected with RHO-related conditions. ClinVar contains an entry for this variant (Variation ID: 1374382). Advanced modeling of protein sequence and biophysical properties (such as structural, functional, and spatial information, amino acid conservation, physicochemical variation, residue mobility, and thermodynamic stability) performed at Invitae indicates that this missense variant is not expected to disrupt RHO protein function with a negative predictive value of 80%. In summary, the available evidence is currently insufficient to determine the role of this variant in disease. Therefore, it has been classified as a Variant of Uncertain Significance.

NM_000539.3(RHO):c.518C>A (p.Ala173Asp)

Gene: RHO (rhodopsin; plus strand). Cytogenetic location: 3q22.1.
Variant type: single nucleotide variant.
Coding change: c.518C>A on transcript NM_000539.3 (MANE Select); coding-DNA position 518, C replaced by A.
Protein change: p.Ala173Asp; replaces alanine 173 with aspartic acid.
Molecular consequence: missense variant.
Genome position (GRCh38, 1-based): chr3:129,531,032, C>A. VCF-style: chr3-129531032-C-A. GRCh37 (hg19) VCF-style: chr3-129249875-C-A.
Other names: short protein forms A173D.
Identifiers: ClinVar variation 1374382 (VCV001374382.6), dbSNP rs1461270517, ClinGen allele CA354498761.